The following is an entry in ClinVar:

NM_005502.4(ABCA1):c.2270T>C (p.Leu757Pro)

Gene: ABCA1 (ATP binding cassette subfamily A member 1; minus strand). Cytogenetic location: 9q31.1.
Variant type: single nucleotide variant.
Coding change: c.2270T>C on transcript NM_005502.4 (MANE Select); coding-DNA position 2270, T replaced by C.
Protein change: p.Leu757Pro; replaces leucine 757 with proline.
Molecular consequence: missense variant.
Genome position (GRCh38, 1-based): chr9:104,827,015, A>G on the plus strand (T>C on the coding strand, the complement: ABCA1 is on the minus strand). VCF-style: chr9-104827015-A-G. GRCh37 (hg19) VCF-style: chr9-107589296-A-G.
Other names: short protein forms L757P.
Identifiers: ClinVar variation 3340379 (VCV003340379.1).
Genomic context (GRCh38, chr9:104,827,015, plus strand): 5'-ATCTTGAGTGTGAAGCCCACGTAGTCCTGCCATGCCACACACAGGACGTAGGGCAGGTAC[A>G]GCGTGAAGTAGATGATGCCCCCACAGGCTGCTGCCAGGTTGGCTCTGGAGAAGAGTGTGC-3'
Protein context (NP_005493.2, residues 747-767): AACGGIIYFT[Leu757Pro]YLPYVLCVAW

ClinVar aggregate classification (germline): Uncertain significance (1 of 4 stars; one submission).

gnomAD v4.1: 31 of 1,614,124 alleles (0.0019%); highest among the groups gnomAD compares: Non-Finnish European, 0.0026%; no homozygotes.

Submission:

GeneDx
Classification: Uncertain significance. Last evaluated: 2023-06-17. Review status: criteria provided, single submitter. Criteria: GeneDx Variant Classification Process June 2021. Collection method: clinical testing. Allele origin: germline. Affected: yes.
Comment: In silico analysis supports that this missense variant has a deleterious effect on protein structure/function; Identified in two individuals reported with an extreme HDL cholesterol phenotype, but specific clinical information was not provided (Dron et al., 2017); This variant is associated with the following publications: (PMID: 28870971)